The following is an entry in ClinVar:

NM_018429.3(BDP1):c.193G>A (p.Glu65Lys)

Gene: BDP1 (BDP1 general transcription factor IIIB subunit; plus strand). Cytogenetic location: 5q13.2.
Variant type: single nucleotide variant.
Coding change: c.193G>A on transcript NM_018429.3 (MANE Select); coding-DNA position 193, G replaced by A.
Protein change: p.Glu65Lys; replaces glutamic acid 65 with lysine.
Molecular consequence: missense variant.
Genome position (GRCh38, 1-based): chr5:71,456,070, G>A. VCF-style: chr5-71456070-G-A. GRCh37 (hg19) VCF-style: chr5-70751897-G-A.
Other names: short protein forms E65K.
Identifiers: ClinVar variation 672381 (VCV000672381.3), dbSNP rs560053520, ClinGen allele CA3295610.

ClinVar aggregate classification (germline): Conflicting classifications of pathogenicity. Review status: criteria provided, conflicting classifications (1 of 4 stars). 3 submissions from 3 submitters: Uncertain significance (1); Likely benign (2). Last evaluated 2025-08-19.

Conditions:
BDP1-related disorder. Also called: BDP1-related condition.

Allele frequency attached by ClinVar (database versions not stated): gnomAD exomes 0.00009 and 0.00030; gnomAD 0.00012 and 0.00015; TOPMed 0.00018; ExAC 0.00029; 1000 Genomes Project 30x 0.00031; 1000 Genomes Project 0.00040.
gnomAD v4.1: 153 of 1,613,204 alleles (0.0095%); highest among the groups gnomAD compares: East Asian, 0.29%; no homozygotes.

Submissions (3):

Ambry Genetics
Classification: Uncertain significance. Last evaluated: 2025-08-19. Review status: criteria provided, single submitter. Criteria: Ambry Variant Classification Scheme 2023. Collection method: clinical testing. Allele origin: germline.

PreventionGenetics, part of Exact Sciences
Classification: Likely benign for BDP1-related condition. Last evaluated: 2024-12-05. Review status: criteria provided, single submitter. Criteria: ACMG Guidelines, 2015. Collection method: clinical testing. Allele origin: germline.
Comment: This variant is classified as likely benign based on ACMG/AMP sequence variant interpretation guidelines (Richards et al. 2015 PMID: 25741868, with internal and published modifications).

GeneDx
Classification: Likely benign. Last evaluated: 2018-04-13. Review status: criteria provided, single submitter. Criteria: GeneDx Variant Classification (06012015). Collection method: clinical testing. Allele origin: germline. Affected: yes.
Comment: This variant is considered likely benign or benign based on one or more of the following criteria: it is a conservative change, it occurs at a poorly conserved position in the protein, it is predicted to be benign by multiple in silico algorithms, and/or has population frequency not consistent with disease.